The following is an entry in ClinVar:

NM_001130144.3(LTBP3):c.1699A>G (p.Ile567Val)

Gene: LTBP3 (latent transforming growth factor beta binding protein 3; minus strand). Cytogenetic location: 11q13.1.
Variant type: single nucleotide variant.
Coding change: c.1699A>G on transcript NM_001130144.3 (MANE Select); coding-DNA position 1699, A replaced by G.
Protein change: p.Ile567Val; replaces isoleucine 567 with valine.
Molecular consequence: missense variant.
Genome position (GRCh38, 1-based): chr11:65,551,147, T>C on the plus strand (A>G on the coding strand, the complement: LTBP3 is on the minus strand). VCF-style: chr11-65551147-T-C. GRCh37 (hg19) VCF-style: chr11-65318618-T-C.
Other names: c.1348A>G, p.Ile450Val (NM_001164266.1); c.1699A>G, p.Ile567Val (NM_021070.4); short protein forms I450V, I567V.
Identifiers: ClinVar variation 1778285 (VCV001778285.7), dbSNP rs1457257115, ClinGen allele CA381272657.

ClinVar aggregate classification (germline): Uncertain significance. Review status: criteria provided, multiple submitters, no conflicts (2 of 4 stars). 2 submissions from 2 submitters: Uncertain significance (2). Last evaluated 2024-07-01.

Conditions:
Brachyolmia-amelogenesis imperfecta syndrome. Also called: Tooth agenesis, selective, 6; Dental anomalies and short stature; PLATYSPONDYLY WITH AMELOGENESIS IMPERFECTA. Identifiers: Orphanet 2899, MedGen C1832594, MONDO:0011018, OMIM 601216. Disease mechanism: loss of function.
Inborn genetic diseases. Identifiers: MedGen C0950123, MeSH D030342.

Allele frequency attached by ClinVar (database versions not stated): gnomAD 0.00001; TOPMed below 0.00001; gnomAD exomes 0.00002.
gnomAD v4.1: 24 of 1,553,718 alleles (0.0015%); highest among the groups gnomAD compares: Middle Eastern, 0.017%; no homozygotes.

Submissions (2):

Labcorp Genetics (formerly Invitae), Labcorp
Classification: Uncertain significance for Brachyolmia-amelogenesis imperfecta syndrome. Last evaluated: 2024-07-01. Review status: criteria provided, single submitter. Criteria: Invitae Variant Classification Sherloc (09022015). Collection method: clinical testing. Allele origin: germline.
Comment: This sequence change replaces isoleucine, which is neutral and non-polar, with valine, which is neutral and non-polar, at codon 567 of the LTBP3 protein (p.Ile567Val). The frequency data for this variant in the population databases is considered unreliable, as metrics indicate poor data quality at this position in the gnomAD database. This variant has not been reported in the literature in individuals affected with LTBP3-related conditions. ClinVar contains an entry for this variant (Variation ID: 1778285). An algorithm developed to predict the effect of missense changes on protein structure and function (PolyPhen-2) suggests that this variant is likely to be tolerated. In summary, the available evidence is currently insufficient to determine the role of this variant in disease. Therefore, it has been classified as a Variant of Uncertain Significance.

Ambry Genetics
Classification: Uncertain significance for Inborn genetic diseases. Last evaluated: 2023-09-14. Review status: criteria provided, single submitter. Criteria: Ambry Variant Classification Scheme 2023. Collection method: clinical testing. Allele origin: germline.